The following is an entry in ClinVar:

NM_002185.5(IL7R):c.1134C>G (p.Asp378Glu)

Gene: IL7R (interleukin 7 receptor; plus strand). Cytogenetic location: 5p13.2.
Variant type: single nucleotide variant.
Coding change: c.1134C>G on transcript NM_002185.5 (MANE Select); coding-DNA position 1134, C replaced by G.
Protein change: p.Asp378Glu; replaces aspartic acid 378 with glutamic acid.
Molecular consequence: missense variant. On other transcripts: non-coding transcript variant (1).
Genome position (GRCh38, 1-based): chr5:35,876,240, C>G. VCF-style: chr5-35876240-C-G. GRCh37 (hg19) VCF-style: chr5-35876342-C-G.
Other names: short protein forms D378E.
Identifiers: ClinVar variation 954100 (VCV000954100.7), dbSNP rs150593442, ClinGen allele CA3232204.

ClinVar aggregate classification (germline): Uncertain significance (1 of 4 stars; one submission).

Conditions:
Immunodeficiency 104. Also called: Severe combined immunodeficiency, autosomal recessive, T cell-negative, B cell-positive, NK cell-positive; IMMUNODEFICIENCY 104, SEVERE COMBINED; SCID, AUTOSOMAL RECESSIVE, T CELL-NEGATIVE, B CELL-POSITIVE, NK CELL-POSITIVE; Severe Combined Immune Deficiency, Autosomal Recessive, TCell -Negative, B Cell-Positive, NK Cell-Positive, IL7R-Related. Identifiers: MedGen C5676890, MONDO:0012163, OMIM 608971.

Allele frequency attached by ClinVar (database versions not stated): TOPMed 0.00003; 1000 Genomes Project 0.00040; 1000 Genomes Project 30x 0.00047.

Submission:

Labcorp Genetics (formerly Invitae), Labcorp
Classification: Uncertain significance for Immunodeficiency 104. Last evaluated: 2021-09-01. Review status: criteria provided, single submitter. Criteria: Invitae Variant Classification Sherloc (09022015). Collection method: clinical testing. Allele origin: germline.
Comment: This sequence change replaces aspartic acid with glutamic acid at codon 378 of the IL7R protein (p.Asp378Glu). The aspartic acid residue is moderately conserved and there is a small physicochemical difference between aspartic acid and glutamic acid. This variant is present in population databases (rs150593442, ExAC 0.03%). This variant has not been reported in the literature in individuals affected with IL7R-related conditions. Algorithms developed to predict the effect of missense changes on protein structure and function output the following: SIFT: "Tolerated"; PolyPhen-2: "Benign"; Align-GVGD: "Class C0". The glutamic acid amino acid residue is found in multiple mammalian species, which suggests that this missense change does not adversely affect protein function. Algorithms developed to predict the effect of sequence changes on RNA splicing suggest that this variant may create or strengthen a splice site. In summary, the available evidence is currently insufficient to determine the role of this variant in disease. Therefore, it has been classified as a Variant of Uncertain Significance.